The following is an entry in ClinVar:

NM_152743.4(BRAT1):c.1922C>T (p.Ala641Val)

Gene: BRAT1 (BRCA1 associated ATM activator 1; minus strand). Cytogenetic location: 7p22.3.
Variant type: single nucleotide variant.
Coding change: c.1922C>T on transcript NM_152743.4 (MANE Select); coding-DNA position 1922, C replaced by T.
Protein change: p.Ala641Val; replaces alanine 641 with valine.
Molecular consequence: missense variant. On other transcripts: non-coding transcript variant (1).
Genome position (GRCh38, 1-based): chr7:2,538,613, G>A on the plus strand (C>T on the coding strand, the complement: BRAT1 is on the minus strand). VCF-style: chr7-2538613-G-A. GRCh37 (hg19) VCF-style: chr7-2578247-G-A.
Other names: c.2102C>T, p.Ala701Val (NM_001350626.2); c.1397C>T, p.Ala466Val (NM_001350627.2); short protein forms A641V, A701V, A466V.
Identifiers: ClinVar variation 472956 (VCV000472956.19), dbSNP rs113030000, ClinGen allele CA4127517.

ClinVar aggregate classification (germline): Likely benign. Review status: criteria provided, multiple submitters, no conflicts (2 of 4 stars). 5 submissions from 5 submitters: Likely benign (4). 1 of the submissions does not count toward it. Last evaluated 2026-01-31.

Conditions:
BRAT1-related disorder. Also called: BRAT1-related condition; BRAT1-related disorders.
Inborn genetic diseases. Identifiers: MedGen C0950123, MeSH D030342.
Neonatal-onset encephalopathy with rigidity and seizures. Also called: Lethal neonatal spasticity-epileptic encephalopathy syndrome. Identifiers: Orphanet 435845, MedGen C3281029, MONDO:0013784, OMIM 614498.

Allele frequency attached by ClinVar (database versions not stated): gnomAD exomes 0.00019; 1000 Genomes Project 30x 0.00172; gnomAD 0.00197 and 0.00206; ESP Exome Variant Server 0.00216; 1000 Genomes Project 0.00220; TOPMed 0.00222.
gnomAD v4.1: 602 of 1,595,332 alleles (0.038%); highest among the groups gnomAD compares: African/African-American, 0.69%; 2 homozygotes.

Submissions (5):

Labcorp Genetics (formerly Invitae), Labcorp
Classification: Likely benign for Neonatal-onset encephalopathy with rigidity and seizures. Last evaluated: 2026-01-31. Review status: criteria provided, single submitter. Criteria: Invitae Variant Classification Sherloc (09022015). Collection method: clinical testing. Allele origin: germline.

Ambry Genetics
Classification: Likely benign for Inborn genetic diseases. Last evaluated: 2021-06-18. Review status: criteria provided, single submitter. Criteria: Ambry Variant Classification Scheme 2023. Collection method: clinical testing. Allele origin: germline.

GeneDx
Classification: Likely benign. Last evaluated: 2021-01-19. Review status: criteria provided, single submitter. Criteria: GeneDx Variant Classification Process June 2021. Collection method: clinical testing. Allele origin: germline. Affected: yes.

Breakthrough Genomics
Classification: Likely benign. Review status: criteria provided, single submitter. Criteria: ACMG Guidelines, 2015. Collection method: not provided. Allele origin: germline. Inheritance: Autosomal recessive inheritance. Affected: yes.

PreventionGenetics, part of Exact Sciences
Classification: Benign for BRAT1-related condition. Last evaluated: 2019-12-05. Review status: no assertion criteria provided. Collection method: clinical testing. Allele origin: germline. Not counted in ClinVar's aggregate classification.
Comment: This variant is classified as benign based on ACMG/AMP sequence variant interpretation guidelines (Richards et al. 2015 PMID: 25741868, with internal and published modifications).